The following is an entry in ClinVar:

ClinVar aggregate classification (germline): Uncertain significance (1 of 4 stars; one submission).

Conditions:
Charcot-Marie-Tooth disease, type I (CMT1). Also called: Charcot-Marie-Tooth disease type 1; Charcot-Marie-Tooth, Type 1. Identifiers: Orphanet 65753, MedGen C0751036, MONDO:0019011.

gnomAD v4.1: 2 of 1,614,026 alleles (0.00012%); highest among the groups gnomAD compares: Non-Finnish European, 0.00017%; no homozygotes.

Submission:

Labcorp Genetics (formerly Invitae), Labcorp
Classification: Uncertain significance for Charcot-Marie-Tooth disease, type I. Last evaluated: 2018-03-28. Review status: criteria provided, single submitter. Criteria: Invitae Variant Classification Sherloc (09022015). Collection method: clinical testing. Allele origin: germline.
Comment: This sequence change replaces glycine with alanine at codon 241 of the MPZ protein (p.Gly241Ala). The glycine residue is highly conserved and there is a small physicochemical difference between glycine and alanine. This variant is not present in population databases (ExAC no frequency). This variant has not been reported in the literature in individuals with MPZ-related disease. Algorithms developed to predict the effect of missense changes on protein structure and function do not agree on the potential impact of this missense change (SIFT: "Deleterious"; PolyPhen-2: "Possibly Damaging"; Align-GVGD: "Class C0"). In summary, the available evidence is currently insufficient to determine the role of this variant in disease. Therefore, it has been classified as a Variant of Uncertain Significance.

NM_000530.8(MPZ):c.722G>C (p.Gly241Ala)

Gene: MPZ (myelin protein zero; minus strand). Cytogenetic location: 1q23.3.
Variant type: single nucleotide variant.
Coding change: c.722G>C on transcript NM_000530.8 (MANE Select); coding-DNA position 722, G replaced by C.
Protein change: p.Gly241Ala; replaces glycine 241 with alanine.
Molecular consequence: missense variant.
Genome position (GRCh38, 1-based): chr1:161,305,901, C>G on the plus strand (G>C on the coding strand, the complement: MPZ is on the minus strand). VCF-style: chr1-161305901-C-G. GRCh37 (hg19) VCF-style: chr1-161275691-C-G.
Other names: c.722G>C (LRG_256t1); c.722G>C, p.Gly241Ala (NM_001315491.2); short protein forms G241A.
Identifiers: ClinVar variation 581092 (VCV000581092.8), dbSNP rs775575673, ClinGen allele CA343343908.
Genomic context (GRCh38, chr1:161,305,901, plus strand): 5'-CCTAACCCCCGATCCCCCGCCCGGCCCGCTAACCGCTATTTCTTATCCTTGCGAGACTCC[C>G]CCAGCCCCTTGGCCTTCTTCTCACTGACAGCTTTGGTGCTTCTGCTGTGGTCCAGCATTG-3'
Protein context (NP_000521.2, residues 231-248): AVSEKKAKGL[Gly241Ala]ESRKDKK